The following is an entry in ClinVar:

NM_001130145.3(YAP1):c.1277-16TG[2]

Gene: YAP1 (Yes1 associated transcriptional regulator; plus strand). Cytogenetic location: 11q22.1.
Variant type: Microsatellite.
Coding change: c.1277-16TG[2] on transcript NM_001130145.3 (MANE Select); two copies in a row of the 2-base unit TG starting at c.1277-16.
Molecular consequence: intron variant.
Genome position: GRCh38 VCF-style: chr11-102229685-CTG-C. GRCh37 (hg19) VCF-style: chr11-102100416-CTG-C.
Other names: c.1289-16TG[2] (NM_001282101.2); c.1241-16TG[2] (NM_001282100.2); c.1229-16TG[2] (NM_001195044.2); c.1175-16TG[2] (NM_001282099.2); c.1127-16TG[2] (NM_001282098.2); c.1163-16TG[2] (NM_001282097.2); c.1115-16TG[2] (NM_006106.5); c.743-16TG[2] (NM_001195045.2); and 1 more.
Identifiers: ClinVar variation 3339910 (VCV003339910.1).

ClinVar aggregate classification (germline): Likely benign (1 of 4 stars; one submission).

Submission:

Women's Health and Genetics/Laboratory Corporation of America, LabCorp
Classification: Likely benign. Last evaluated: 2024-06-20. Review status: criteria provided, single submitter. Criteria: LabCorp Variant Classification Summary - May 2015. Collection method: clinical testing. Allele origin: germline.
Comment: Variant summary: YAP1 c.1277-11_1277-10delGT deletes two nucleotides located at a position not widely known to affect splicing. Consensus agreement among computation tools predict no significant impact on normal splicing. However, these predictions have yet to be confirmed by functional studies. The variant allele was found at a frequency of 6.2e-07 in 1601022 control chromosomes (gnomAD v4.1). The available data on variant occurrences in the general population are insufficient to allow any conclusion about variant significance. To our knowledge, no occurrence of c.1277-11_1277-10delGT in individuals affected with Uveal Coloboma-Cleft Lip And Palate-Intellectual Disability and no experimental evidence demonstrating its impact on protein function have been reported. No submitters have cited clinical-significance assessments for this variant to ClinVar. Based on the evidence outlined above, the variant was classified as likely benign.